The following is an entry in ClinVar:

ClinVar aggregate classification (germline): Uncertain significance (1 of 4 stars; one submission).

Submission:

Labcorp Genetics (formerly Invitae), Labcorp
Classification: Uncertain significance. Last evaluated: 2022-03-16. Review status: criteria provided, single submitter. Criteria: Invitae Variant Classification Sherloc (09022015). Collection method: clinical testing. Allele origin: germline.
Comment: In summary, the available evidence is currently insufficient to determine the role of this variant in disease. Therefore, it has been classified as a Variant of Uncertain Significance. Algorithms developed to predict the effect of missense changes on protein structure and function (SIFT, PolyPhen-2, Align-GVGD) all suggest that this variant is likely to be tolerated. This variant has not been reported in the literature in individuals affected with PCDH15-related conditions. This variant is not present in population databases (gnomAD no frequency). This sequence change replaces glutamine, which is neutral and polar, with glutamic acid, which is acidic and polar, at codon 309 of the PCDH15 protein (p.Gln309Glu).

NM_001384140.1(PCDH15):c.925C>G (p.Gln309Glu)

Gene: PCDH15 (protocadherin related 15; minus strand). Cytogenetic location: 10q21.1.
Variant type: single nucleotide variant.
Coding change: c.925C>G on transcript NM_001384140.1 (MANE Select); coding-DNA position 925, C replaced by G.
Protein change: p.Gln309Glu; replaces glutamine 309 with glutamic acid.
Molecular consequence: missense variant.
Genome position (GRCh38, 1-based): chr10:54,236,883, G>C on the plus strand (C>G on the coding strand, the complement: PCDH15 is on the minus strand). VCF-style: chr10-54236883-G-C. GRCh37 (hg19) VCF-style: chr10-55996643-G-C.
Other names: c.940C>G, p.Gln314Glu (NM_001142763.2, NM_001142769.4, NM_001142771.2); c.925C>G, p.Gln309Glu (NM_001142764.2, NM_001142765.2, NM_001142766.2 and 7 more transcripts); c.814C>G, p.Gln272Glu (NM_001142767.2); c.859C>G, p.Gln287Glu (NM_001142768.2, NM_001142773.2, NM_001354404.2); short protein forms Q272E, Q287E, Q309E, Q314E.
Identifiers: ClinVar variation 2112997 (VCV002112997.4), dbSNP rs762029000, ClinGen allele CA376527987.
Genomic context (GRCh38, chr10:54,236,883, plus strand): 5'-CAACAAGGATGGAATAGAGGATTCCTGGCCTATCTGATGGCGGTTGAATATTCCGGTCCT[G>C]ATCAATGGCTTGGATTGGTGGCGTAACAATAATGGGGTTCAGTTCTTCCTGAAAAAAAAA-3'
Protein context (NP_001371069.1, residues 299-319): IVTPPIQAID[Gln309Glu]DRNIQPPSDR